The following is an entry in ClinVar:

NM_015512.5(DNAH1):c.7858G>A (p.Glu2620Lys)

Gene: DNAH1 (dynein axonemal heavy chain 1; plus strand). Cytogenetic location: 3p21.1.
Variant type: single nucleotide variant.
Coding change: c.7858G>A on transcript NM_015512.5 (MANE Select); coding-DNA position 7858, G replaced by A.
Protein change: p.Glu2620Lys; replaces glutamic acid 2620 with lysine.
Molecular consequence: missense variant.
Genome position (GRCh38, 1-based): chr3:52,382,372, G>A. VCF-style: chr3-52382372-G-A. GRCh37 (hg19) VCF-style: chr3-52416388-G-A.
Other names: c.7858G>A (NM_015512.4); short protein forms E2620K.
Identifiers: ClinVar variation 3761459 (VCV003761459.2).

ClinVar aggregate classification (germline): Uncertain significance. Review status: criteria provided, multiple submitters, no conflicts (2 of 4 stars). 2 submissions from 2 submitters: Uncertain significance (2). Last evaluated 2025-09-24.

Conditions:
Spermatogenic failure 18. Identifiers: MedGen C4539783, MONDO:0054615, OMIM 617576.
Ciliary dyskinesia, primary, 37 (CILD37). Also called: CILIARY DYSKINESIA, PRIMARY, 37, WITH OR WITHOUT SITUS INVERSUS. Identifiers: MedGen C4539798, MONDO:0033204, OMIM 617577.

gnomAD v4.1: 49 of 1,613,884 alleles (0.003%); highest among the groups gnomAD compares: Non-Finnish European, 0.0038%; no homozygotes.

Submissions (2):

Ambry Genetics
Classification: Uncertain significance. Last evaluated: 2025-09-24. Review status: criteria provided, single submitter. Criteria: Ambry Variant Classification Scheme 2023. Collection method: clinical testing. Allele origin: germline.

Labcorp Genetics (formerly Invitae), Labcorp
Classification: Uncertain significance for Ciliary dyskinesia, primary, 37; Spermatogenic failure 18. Last evaluated: 2024-08-01. Review status: criteria provided, single submitter. Criteria: Invitae Variant Classification Sherloc (09022015). Collection method: clinical testing. Allele origin: germline.
Comment: This sequence change replaces glutamic acid, which is acidic and polar, with lysine, which is basic and polar, at codon 2620 of the DNAH1 protein (p.Glu2620Lys). This variant is present in population databases (rs747582274, gnomAD 0.006%). This variant has not been reported in the literature in individuals affected with DNAH1-related conditions. Advanced modeling of protein sequence and biophysical properties (such as structural, functional, and spatial information, amino acid conservation, physicochemical variation, residue mobility, and thermodynamic stability) performed at Invitae indicates that this missense variant is expected to disrupt DNAH1 protein function with a positive predictive value of 80%. In summary, the available evidence is currently insufficient to determine the role of this variant in disease. Therefore, it has been classified as a Variant of Uncertain Significance.